The following is an entry in ClinVar:

ClinVar aggregate classification (germline): Likely benign (1 of 4 stars; one submission).

Conditions:
SEMA3F-related disorder. Also called: SEMA3F-related condition.

gnomAD v4.1: 24 of 1,611,634 alleles (0.0015%); highest among the groups gnomAD compares: Middle Eastern, 0.016%; no homozygotes.

Submission:

PreventionGenetics, part of Exact Sciences
Classification: Likely benign for SEMA3F-related condition. Last evaluated: 2025-05-30. Review status: criteria provided, single submitter. Criteria: ACMG Guidelines, 2015. Collection method: clinical testing. Allele origin: germline.
Comment: This variant is classified as likely benign based on ACMG/AMP sequence variant interpretation guidelines (Richards et al. 2015 PMID: 25741868, with internal and published modifications).

NM_004186.5(SEMA3F):c.768G>A (p.Pro256=)

Gene: SEMA3F (semaphorin 3F; plus strand). Cytogenetic location: 3p21.31.
Variant type: single nucleotide variant.
Coding change: c.768G>A on transcript NM_004186.5 (MANE Select); coding-DNA position 768, G replaced by A.
Protein change: p.Pro256=; no amino-acid change (proline 256 retained).
Molecular consequence: synonymous variant.
Genome position (GRCh38, 1-based): chr3:50,182,648, G>A. VCF-style: chr3-50182648-G-A. GRCh37 (hg19) VCF-style: chr3-50220081-G-A.
Other names: c.471G>A, p.Pro157= (NM_001318798.2); c.675G>A, p.Pro225= (NM_001318800.2).
Identifiers: ClinVar variation 4988696 (VCV004988696.1).